The following is an entry in ClinVar:

ClinVar aggregate classification (germline): Uncertain significance. Review status: criteria provided, multiple submitters, no conflicts (2 of 4 stars). 2 submissions from 2 submitters: Uncertain significance (2). Last evaluated 2025-12-27.

Conditions:
Bethlem myopathy 1A. Also called: Bethlem Muscular Dystrophy; MYOPATHY, BENIGN CONGENITAL, WITH CONTRACTURES; Bethlem myopathy 1. Identifiers: Orphanet 610, MedGen CN029274, MONDO:0024530, OMIM 158810.
Inborn genetic diseases. Identifiers: MedGen C0950123, MeSH D030342.

Allele frequency attached by ClinVar (database versions not stated): gnomAD exomes 0.00001.
gnomAD v4.1: 9 of 1,614,124 alleles (0.00056%); highest among the groups gnomAD compares: Non-Finnish European, 0.00076%; no homozygotes.

Submissions (2):

Labcorp Genetics (formerly Invitae), Labcorp
Classification: Uncertain significance for Bethlem myopathy 1A. Last evaluated: 2025-12-27. Review status: criteria provided, single submitter. Criteria: Invitae Variant Classification Sherloc (09022015). Collection method: clinical testing. Allele origin: germline.
Comment: This sequence change replaces proline, which is neutral and non-polar, with leucine, which is neutral and non-polar, at codon 1622 of the COL6A3 protein (p.Pro1622Leu). This variant is present in population databases (no rsID available, gnomAD 0.0009%). This variant has not been reported in the literature in individuals affected with COL6A3-related conditions. ClinVar contains an entry for this variant (Variation ID: 2319996). Invitae Evidence Modeling of protein sequence and biophysical properties (such as structural, functional, and spatial information, amino acid conservation, physicochemical variation, residue mobility, and thermodynamic stability) indicates that this missense variant is not expected to disrupt COL6A3 protein function with a negative predictive value of 95%. In summary, the available evidence is currently insufficient to determine the role of this variant in disease. Therefore, it has been classified as a Variant of Uncertain Significance.

Ambry Genetics
Classification: Uncertain significance for Inborn genetic diseases. Last evaluated: 2022-10-26. Review status: criteria provided, single submitter. Criteria: Ambry Variant Classification Scheme 2023. Collection method: clinical testing. Allele origin: germline.

NM_004369.4(COL6A3):c.4865C>T (p.Pro1622Leu)

Gene: COL6A3 (collagen type VI alpha 3 chain; minus strand). Cytogenetic location: 2q37.3.
Variant type: single nucleotide variant.
Coding change: c.4865C>T on transcript NM_004369.4 (MANE Select); coding-DNA position 4865, C replaced by T.
Protein change: p.Pro1622Leu; replaces proline 1622 with leucine.
Molecular consequence: missense variant.
Genome position (GRCh38, 1-based): chr2:237,368,598, G>A on the plus strand (C>T on the coding strand, the complement: COL6A3 is on the minus strand). VCF-style: chr2-237368598-G-A. GRCh37 (hg19) VCF-style: chr2-238277241-G-A.
Other names: c.4247C>T, p.Pro1416Leu (NM_057167.4); c.3044C>T, p.Pro1015Leu (NM_057166.5); short protein forms P1015L, P1622L, P1416L.
Identifiers: ClinVar variation 2319996 (VCV002319996.3), dbSNP rs1329244936, ClinGen allele CA351190733.